The following is an entry in ClinVar:

ClinVar aggregate classification (germline): Uncertain significance. Review status: criteria provided, multiple submitters, no conflicts (2 of 4 stars). 2 submissions from 2 submitters: Uncertain significance (2). Last evaluated 2024-02-15.

Allele frequency attached by ClinVar (database versions not stated): gnomAD 0.00003.
gnomAD v4.1: 19 of 1,613,736 alleles (0.0012%); highest among the groups gnomAD compares: Non-Finnish European, 0.0016%; no homozygotes.

Submissions (2):

Athena Diagnostics
Classification: Uncertain significance. Last evaluated: 2024-02-15. Review status: criteria provided, single submitter. Criteria: Athena Diagnostics Criteria. Collection method: clinical testing. Allele origin: unknown.
Comment: Available data are insufficient to determine the clinical significance of the variant at this time. The frequency of this variant in the general population is uninformative in assessment of its pathogenicity. Computational tools predict that this variant is not damaging.

Revvity Omics, Revvity
Classification: Uncertain significance. Last evaluated: 2020-12-31. Review status: criteria provided, single submitter. Criteria: ACMG Guidelines, 2015. Collection method: clinical testing. Allele origin: germline.

NM_182961.4(SYNE1):c.2333C>G (p.Pro778Arg)

Gene: SYNE1 (spectrin repeat containing nuclear envelope protein 1; minus strand). Cytogenetic location: 6q25.2.
Variant type: single nucleotide variant.
Coding change: c.2333C>G on transcript NM_182961.4 (MANE Select); coding-DNA position 2333, C replaced by G.
Protein change: p.Pro778Arg; replaces proline 778 with arginine.
Molecular consequence: missense variant.
Genome position (GRCh38, 1-based): chr6:152,461,658, G>C on the plus strand (C>G on the coding strand, the complement: SYNE1 is on the minus strand). VCF-style: chr6-152461658-G-C. GRCh37 (hg19) VCF-style: chr6-152782793-G-C.
Other names: c.2354C>G, p.Pro785Arg (NM_033071.5); c.2333C>G (NM_182961.2); short protein forms P778R, P785R.
Identifiers: ClinVar variation 2436740 (VCV002436740.4), dbSNP rs1564199868, ClinGen allele CA366120845.